The following is an entry in ClinVar:

NM_002979.5(SCP2):c.1280C>G (p.Ala427Gly)

Gene: SCP2 (sterol carrier protein 2; plus strand). Cytogenetic location: 1p32.3.
Variant type: single nucleotide variant.
Coding change: c.1280C>G on transcript NM_002979.5 (MANE Select); coding-DNA position 1280, C replaced by G.
Protein change: p.Ala427Gly; replaces alanine 427 with glycine.
Molecular consequence: missense variant.
Genome position (GRCh38, 1-based): chr1:53,028,013, C>G. VCF-style: chr1-53028013-C-G. GRCh37 (hg19) VCF-style: chr1-53493685-C-G.
Other names: c.68C>G, p.Ala23Gly (NM_001007099.3, NM_001007250.3); c.59C>G, p.Ala20Gly (NM_001007100.3); c.1208C>G, p.Ala403Gly (NM_001193599.2); c.1148C>G, p.Ala383Gly (NM_001193600.2); c.1037C>G, p.Ala346Gly (NM_001193617.2); c.1280C>G (NM_002979.4); short protein forms A427G, A383G, A403G, A20G, A23G, A346G.
Identifiers: ClinVar variation 500762 (VCV000500762.10), dbSNP rs144131493, ClinGen allele CA857377.

ClinVar aggregate classification (germline): Uncertain significance. Review status: criteria provided, multiple submitters, no conflicts (2 of 4 stars). 5 submissions from 5 submitters: Uncertain significance (5). Last evaluated 2026-04-07.

Conditions:
SCP2-related disorder. Also called: SCP2-related condition.

Allele frequency attached by ClinVar (database versions not stated): gnomAD 0.00010; gnomAD exomes 0.00011; ExAC 0.00013; TOPMed 0.00016; ESP Exome Variant Server 0.00031.
gnomAD v4.1: 407 of 1,611,704 alleles (0.025%); highest among the groups gnomAD compares: Non-Finnish European, 0.033%; no homozygotes.

Submissions (5):

PreventionGenetics, part of Exact Sciences
Classification: Uncertain significance for SCP2-related condition. Last evaluated: 2026-04-07. Review status: criteria provided, single submitter. Criteria: ACMG Guidelines, 2015. Collection method: clinical testing. Allele origin: germline.
Comment: The SCP2 c.1280C>G variant is predicted to result in the amino acid substitution p.Ala427Gly. To our knowledge, this variant has not been reported in the literature. This variant is reported in 0.022% of alleles in individuals of European (Non-Finnish) descent in gnomAD. At this time, the clinical significance of this variant is uncertain due to the absence of conclusive functional and genetic evidence.

GeneDx
Classification: Uncertain significance. Last evaluated: 2025-01-03. Review status: criteria provided, single submitter. Criteria: GeneDx Variant Classification Process June 2021. Collection method: clinical testing. Allele origin: germline. Affected: yes.
Comment: In silico analysis supports that this missense variant has a deleterious effect on protein structure/function; Has not been previously published as pathogenic or benign to our knowledge

Labcorp Genetics (formerly Invitae), Labcorp
Classification: Uncertain significance. Last evaluated: 2024-11-13. Review status: criteria provided, single submitter. Criteria: Invitae Variant Classification Sherloc (09022015). Collection method: clinical testing. Allele origin: germline.
Comment: This sequence change replaces alanine, which is neutral and non-polar, with glycine, which is neutral and non-polar, at codon 427 of the SCP2 protein (p.Ala427Gly). This variant is present in population databases (rs144131493, gnomAD 0.02%). This variant has not been reported in the literature in individuals affected with SCP2-related conditions. ClinVar contains an entry for this variant (Variation ID: 500762). An algorithm developed to predict the effect of missense changes on protein structure and function (PolyPhen-2) suggests that this variant¬†is likely to be tolerated. In summary, the available evidence is currently insufficient to determine the role of this variant in disease. Therefore, it has been classified as a Variant of Uncertain Significance.

Ambry Genetics
Classification: Uncertain significance. Last evaluated: 2024-07-30. Review status: criteria provided, single submitter. Criteria: Ambry Variant Classification Scheme 2023. Collection method: clinical testing. Allele origin: germline.

Eurofins Ntd Llc (ga)
Classification: Uncertain significance. Last evaluated: 2017-11-02. Review status: criteria provided, single submitter. Criteria: EGL Classification Definitions 2015. Collection method: clinical testing. Allele origin: germline. Observed: 3 variant alleles, 3 heterozygotes.